The following is an entry in ClinVar:

ClinVar aggregate classification (germline): Uncertain significance. Review status: criteria provided, multiple submitters, no conflicts (2 of 4 stars). 2 submissions from 2 submitters: Uncertain significance (2). Last evaluated 2025-10-01.

Allele frequency attached by ClinVar (database versions not stated): gnomAD exomes below 0.00001 and 0.00002; TOPMed below 0.00001; ExAC 0.00001; gnomAD 0.00001.
gnomAD v4.1: 26 of 1,614,008 alleles (0.0016%); highest among the groups gnomAD compares: Non-Finnish European, 0.002%; no homozygotes.

Submissions (2):

CeGaT Center for Human Genetics Tuebingen
Classification: Uncertain significance. Last evaluated: 2025-10-01. Review status: criteria provided, single submitter. Criteria: CeGaT Center For Human Genetics Tuebingen Variant Classification Criteria Version 2. Collection method: clinical testing. Allele origin: germline. Affected: yes. Observed: 1 variant allele.
Comment: MYLK: PM2

GeneDx
Classification: Uncertain significance. Last evaluated: 2023-08-04. Review status: criteria provided, single submitter. Criteria: GeneDx Variant Classification Process June 2021. Collection method: clinical testing. Allele origin: germline. Affected: yes.
Comment: Has not been previously published as pathogenic or benign to our knowledge; Not observed at significant frequency in large population cohorts (gnomAD); In silico analysis is inconclusive as to whether the variant alters gene splicing. In the absence of RNA/functional studies, the actual effect of this sequence change is unknown.

NM_053025.4(MYLK):c.754+3A>G

Gene: MYLK (myosin light chain kinase; minus strand). Cytogenetic location: 3q21.1.
Variant type: single nucleotide variant.
Coding change: c.754+3A>G on transcript NM_053025.4 (MANE Select); 3 bases into the intron after coding-DNA position 754, A replaced by G.
Molecular consequence: intron variant.
Genome position (GRCh38, 1-based): chr3:123,737,375, T>C on the plus strand (A>G on the coding strand, the complement: MYLK is on the minus strand). VCF-style: chr3-123737375-T-C. GRCh37 (hg19) VCF-style: chr3-123456222-T-C.
Other names: c.226+3A>G (NM_001321309.2); c.754+3A>G (NM_053028.4, NM_053026.4, NM_053027.4).
Identifiers: ClinVar variation 1315899 (VCV001315899.9), dbSNP rs767382958, ClinGen allele CA073531.